The following is an entry in ClinVar:

NM_000388.4(CASR):c.2135C>T (p.Thr712Ile)

Gene: CASR (calcium sensing receptor; plus strand). Cytogenetic location: 3q21.1.
Variant type: single nucleotide variant.
Coding change: c.2135C>T on transcript NM_000388.4 (MANE Select); coding-DNA position 2135, C replaced by T.
Protein change: p.Thr712Ile; replaces threonine 712 with isoleucine.
Molecular consequence: missense variant.
Genome position (GRCh38, 1-based): chr3:122,284,089, C>T. VCF-style: chr3-122284089-C-T. GRCh37 (hg19) VCF-style: chr3-122002936-C-T.
Other names: c.2165C>T, p.Thr722Ile (NM_001178065.2); short protein forms T722I, T712I.
Identifiers: ClinVar variation 4782792 (VCV004782792.1).

ClinVar aggregate classification (germline): Uncertain significance (1 of 4 stars; one submission).

Conditions:
Familial hypocalciuric hypercalcemia (FHH). Also called: Familial benign hypercalcemia. Identifiers: Orphanet 405, MedGen C1809471, MONDO:0018458.
Autosomal dominant hypocalcemia 1 (HYPOC1). Also called: HYPOCALCEMIA, FAMILIAL. Identifiers: MedGen C3715128, MONDO:0011013, OMIM 601198.

Submission:

Labcorp Genetics (formerly Invitae), Labcorp
Classification: Uncertain significance for Familial hypocalciuric hypercalcemia; Autosomal dominant hypocalcemia 1. Last evaluated: 2026-01-14. Review status: criteria provided, single submitter. Criteria: Invitae Variant Classification Sherloc (09022015). Collection method: clinical testing. Allele origin: germline.
Comment: This sequence change replaces threonine, which is neutral and polar, with isoleucine, which is neutral and non-polar, at codon 712 of the CASR protein (p.Thr712Ile). This variant is not present in population databases (gnomAD no frequency). This variant has not been reported in the literature in individuals affected with CASR-related conditions. An algorithm developed to predict the effect of missense changes on protein structure and function (PolyPhen-2) suggests that this variant is likely to be disruptive. In summary, the available evidence is currently insufficient to determine the role of this variant in disease. Therefore, it has been classified as a Variant of Uncertain Significance.